The following is an entry in ClinVar:

ClinVar aggregate classification (germline): Uncertain significance. Review status: criteria provided, multiple submitters, no conflicts (2 of 4 stars). 2 submissions from 2 submitters: Uncertain significance (2). Last evaluated 2025-06-12.

gnomAD v4.1: 3 of 1,195,470 alleles (0.00025%); highest among the groups gnomAD compares: African/African-American, 0.0035%; no homozygotes.

Submissions (2):

GeneDx
Classification: Uncertain significance. Last evaluated: 2025-06-12. Review status: criteria provided, single submitter. Criteria: GeneDx Variant Classification Process June 2021. Collection method: clinical testing. Allele origin: germline. Affected: yes.
Comment: In silico analysis suggests that this missense variant does not alter protein structure/function; Has not been previously published as pathogenic or benign to our knowledge

Labcorp Genetics (formerly Invitae), Labcorp
Classification: Uncertain significance. Last evaluated: 2021-11-02. Review status: criteria provided, single submitter. Criteria: Invitae Variant Classification Sherloc (09022015). Collection method: clinical testing. Allele origin: germline.
Comment: In summary, the available evidence is currently insufficient to determine the role of this variant in disease. Therefore, it has been classified as a Variant of Uncertain Significance. Algorithms developed to predict the effect of missense changes on protein structure and function output the following: SIFT: "Tolerated"; PolyPhen-2: "Benign"; Align-GVGD: "Class C0". The threonine amino acid residue is found in multiple mammalian species, which suggests that this missense change does not adversely affect protein function. This variant has not been reported in the literature in individuals affected with BRWD3-related conditions. This variant is present in population databases (rs202197853, gnomAD 0.008%). This sequence change replaces serine, which is neutral and polar, with threonine, which is neutral and polar, at codon 462 of the BRWD3 protein (p.Ser462Thr).

NM_153252.5(BRWD3):c.1384T>A (p.Ser462Thr)

Gene: BRWD3 (bromodomain and WD repeat domain containing 3; minus strand). Cytogenetic location: Xq21.1.
Variant type: single nucleotide variant.
Coding change: c.1384T>A on transcript NM_153252.5 (MANE Select); coding-DNA position 1384, T replaced by A.
Protein change: p.Ser462Thr; replaces serine 462 with threonine.
Molecular consequence: missense variant.
Genome position (GRCh38, 1-based): chrX:80,728,754, A>T on the plus strand (T>A on the coding strand, the complement: BRWD3 is on the minus strand). VCF-style: chrX-80728754-A-T. GRCh37 (hg19) VCF-style: chrX-79984253-A-T.
Other names: c.1384T>A (NM_153252.4); short protein forms S462T.
Identifiers: ClinVar variation 1480175 (VCV001480175.7), dbSNP rs202197853, ClinGen allele CA10462196.